The following is an entry in ClinVar:

NM_018718.3(CEP41):c.*2482A>T

Gene: CEP41 (centrosomal protein 41; minus strand). Cytogenetic location: 7q32.2.
Variant type: single nucleotide variant.
Coding change: c.*2482A>T on transcript NM_018718.3 (MANE Select); 2482 bases downstream of the stop codon, A replaced by T.
Molecular consequence: 3 prime UTR variant. On other transcripts: non-coding transcript variant (1).
Genome position (GRCh38, 1-based): chr7:130,396,409, T>A on the plus strand (A>T on the coding strand, the complement: CEP41 is on the minus strand). VCF-style: chr7-130396409-T-A. GRCh37 (hg19) VCF-style: chr7-130036250-T-A.
Other names: c.*2482A>T (NM_001257158.2, NM_001257159.2).
Identifiers: ClinVar variation 358914 (VCV000358914.5), dbSNP rs189091601, ClinGen allele CA4485206.
Genomic context (GRCh38, chr7:130,396,409, plus strand): 5'-ACTGGAGAGCTGAGGCCCCCTGCCCTAATTGGACTGATTTCCTGATTCATTTATTTTTTT[T>A]AAAAAATGCTTTCCTAGGAGATGCAGCAAAAATCACACCAGTCTCCTGTGGCTCCCCCAA-3'

ClinVar aggregate classification (germline): Benign (1 of 4 stars; one submission).

Conditions:
Joubert syndrome 15 (JBTS15). Identifiers: Orphanet 475, MedGen C3280897, MONDO:0013763, OMIM 614464.

Allele frequency attached by ClinVar (database versions not stated): ExAC 0.00270; gnomAD 0.00317 and 0.00369; TOPMed 0.00548; gnomAD exomes 0.00582 and 0.01036; 1000 Genomes Project 0.00998; 1000 Genomes Project 30x 0.01140.
gnomAD v4.1: 2,312 of 454,382 alleles (0.51%); highest among the groups gnomAD compares: East Asian, 3%; 39 homozygotes.

Submission:

Illumina Laboratory Services, Illumina
Classification: Benign for Joubert syndrome 15. Last evaluated: 2018-01-12. Review status: criteria provided, single submitter. Criteria: ICSL Variant Classification Criteria 13 December 2019. Collection method: clinical testing. Allele origin: germline.
Comment: This variant was observed in the ICSL laboratory as part of a predisposition screen in an ostensibly healthy population. It had not been previously curated by ICSL or reported in the Human Gene Mutation Database (HGMD: prior to June 1st, 2018), and was therefore a candidate for classification through an automated scoring system. Utilizing variant allele frequency, disease prevalence and penetrance estimates, and inheritance mode, an automated score was calculated to assess if this variant is too frequent to cause the disease. Based on the score and internal cut-off values, a variant classified as benign is not then subjected to further curation. The score for this variant resulted in a classification of benign for this disease.